The following is an entry in ClinVar:

NM_000277.3(PAH):c.473G>A (p.Arg158Gln)

Gene: PAH (phenylalanine hydroxylase; minus strand). Cytogenetic location: 12q23.2.
Variant type: single nucleotide variant.
Coding change: c.473G>A on transcript NM_000277.3 (MANE Select); coding-DNA position 473, G replaced by A.
Protein change: p.Arg158Gln; replaces arginine 158 with glutamine.
Molecular consequence: missense variant.
Genome position (GRCh38, 1-based): chr12:102,866,632, C>T on the plus strand (G>A on the coding strand, the complement: PAH is on the minus strand). VCF-style: chr12-102866632-C-T. GRCh37 (hg19) VCF-style: chr12-103260410-C-T.
Other names: p.R158Q:CGG>CAG; NM_000277.2(PAH):c.473G>A; c.473G>A, p.Arg158Gln (NM_001354304.2); short protein forms R158Q.
Identifiers: ClinVar variation 587 (VCV000000587.138), dbSNP rs5030843, ClinGen allele CA251530.

ClinVar aggregate classification (germline): Pathogenic. Review status: reviewed by expert panel (3 of 4 stars). 27 submissions from 27 submitters: Pathogenic (1). 26 of the submissions do not count toward it. Last evaluated 2018-08-05.

Conditions:
PAH-related disorder. Also called: PAH-related condition.
Phenylketonuria (PKU). Also called: FOLLING DISEASE; OLIGOPHRENIA PHENYLPYRUVICA; Phenylketonurias; Phenylketonuria (PKU). Identifiers: Orphanet 716, MedGen C0031485, MONDO:0009861, OMIM 261600. Disease mechanism: loss of function.

Allele frequency attached by ClinVar (database versions not stated): TOPMed 0.00010; gnomAD 0.00007.
gnomAD v4.1: 225 of 1,613,598 alleles (0.014%); highest among the groups gnomAD compares: Non-Finnish European, 0.018%; no homozygotes.

Submissions 1 to 12 of 27:

ClinGen PAH Variant Curation Expert Panel
Classification: Pathogenic for Phenylketonuria. Last evaluated: 2018-08-05. Review status: reviewed by expert panel. Criteria: ClinGen PAH ACMG Specifications v1. Collection method: curation. Allele origin: germline. Inheritance: Autosomal recessive inheritance.
Comment: PAH-specific ACMG/AMP criteria applied: PS3: R158Q is associated with very low levels (0.2-1.8%) of pah enzyme activity compared to wild-type. (PMID:2014036; PMID:19036622); PP3: tools predict damaging ; PP4_Moderate: BH4 testing showed responsive in a pt, pretreatment 1065uM (PMID:23500595); PM3_VeryStrong: in trans with 4 pathogenic variants: I48S, c.1315+1G>A, P281L, R261Ter. (PMID:23500595; PMID:10479481; PMID:24368688). In summary this variant meets criteria to be classified as pathogenic for phenylketonuria in an autosomal recessive manner based on the ACMG/AMP criteria applied as specified by the PAH Expert Panel: (PS3, PP3, PP4_Moderate, PM3_VeryStrong).

OLLIN Analises Genomicas, OLLIN
Classification: Pathogenic for Phenylketonuria. Last evaluated: 2026-08-06. Review status: criteria provided, single submitter. Criteria: ACMG Guidelines 2015 PMID 25741868. Collection method: clinical testing. Allele origin: germline. Inheritance: Autosomal recessive inheritance. Not counted in ClinVar's aggregate classification.
Comment: This missense variant, located in exon 5 (of 13), has been reported in ClinVar (accession VCV000102694.6), in gnomAD with an allele frequency of 0.014%, and in the scientific literature, in compound heterozygosity, in individuals with PAH related disorders (PMID: 23500595, 10479481, 24368688, 2014036, 19036622). Functional studies suggest that this variant may affect protein function, and in silico analysis predicts a deleterious effect (PMID: 2014036, 19036622). According to the currently available evidence, this variant has been classified as pathogenic (PM3_VS, PS3, PP3, PP4_M).

CeGaT Center for Human Genetics Tuebingen
Classification: Pathogenic. Last evaluated: 2026-06-01. Review status: criteria provided, single submitter. Criteria: CeGaT Center For Human Genetics Tuebingen Variant Classification Criteria Version 2. Collection method: clinical testing. Allele origin: germline. Affected: yes. Observed: 5 variant alleles. Not counted in ClinVar's aggregate classification.
Comment: PAH: PM3:Very Strong, PS3, PM2, PM5, PP4:Moderate, PP3

Labcorp Genetics (formerly Invitae), Labcorp
Classification: Pathogenic for Phenylketonuria. Last evaluated: 2026-01-11. Review status: criteria provided, single submitter. Criteria: Invitae Variant Classification Sherloc (09022015). Collection method: clinical testing. Allele origin: germline. Not counted in ClinVar's aggregate classification.
Comment: This sequence change replaces arginine, which is basic and polar, with glutamine, which is neutral and polar, at codon 158 of the PAH protein (p.Arg158Gln). This variant is present in population databases (rs5030843, gnomAD 0.02%). This missense change has been observed in individuals with PKU (PMID: 2014036, 10479481, 23500595, 24368688, 25596310). ClinVar contains an entry for this variant (Variation ID: 587). Invitae Evidence Modeling of protein sequence and biophysical properties (such as structural, functional, and spatial information, amino acid conservation, physicochemical variation, residue mobility, and thermodynamic stability) indicates that this missense variant is expected to disrupt PAH protein function with a positive predictive value of 80%. Experimental studies have shown that this missense change affects PAH function (PMID: 14654665, 19036622). For these reasons, this variant has been classified as Pathogenic.

Natera, Inc.
Classification: Pathogenic for Phenylketonuria. Last evaluated: 2025-10-10. Review status: criteria provided, single submitter. Criteria: Natera Variant Classification Schema (03/2026). Collection method: clinical testing. Allele origin: germline. Not counted in ClinVar's aggregate classification.
Comment: The c.473G>A variant in PAH is a missense variant predicted to cause substitution of arginine to glutamine at amino acid 158. This variant is rare in the general population with a frequency below the threshold expected for the associated phenotype(s). This variant has been observed in one or more individuals affected with the associated recessive disease, as either homozygous or compound heterozygous with a second variant (PMID: 27121329). Given the available evidence, this variant is classified as Pathogenic.

Dasa
Classification: Pathogenic. Last evaluated: 2025-07-10. Review status: criteria provided, single submitter. Criteria: DASA Assertion Criteria. Collection method: clinical testing. Allele origin: germline. Not counted in ClinVar's aggregate classification.
Comment: NM_000277.3(PAH):c.473G>A (p.Arg158Gln) is a missense variant that results in the substitution of arginine with glutamine. The affected residue or protein region has prior evidence supporting clinical relevance. This variant has been observed in affected individuals with related phenotype in a genotype context consistent with recessive disease (PMID: 23500595; PMID: 24368688; PMID: 25596310; PMID: 14654665; PMID: 19036622). Functional evidence supports a deleterious effect on the gene or gene product (PMID: 23500595; PMID: 24368688; PMID: 25596310; PMID: 14654665; PMID: 19036622). This variant has been recurrently observed in individuals with related phenotype (PMID: 23500595; PMID: 24368688; PMID: 25596310; PMID: 14654665; PMID: 19036622). Segregation evidence has been reported in affected families. Multiple computational predictions support a deleterious effect on the gene or gene product. Based on the available data, this variant is classified as pathogenic.

Blueprint Genetics
Classification: Pathogenic for PAH-related disorders. Last evaluated: 2024-09-13. Review status: criteria provided, single submitter. Criteria: ACMG Guidelines, 2015. Collection method: clinical testing. Allele origin: germline. Affected: yes. Observed: 5 variant alleles. Not counted in ClinVar's aggregate classification.

Mayo Clinic Laboratories, Mayo Clinic
Classification: Pathogenic. Last evaluated: 2024-07-02. Review status: criteria provided, single submitter. Criteria: ACMG Guidelines, 2015. Collection method: clinical testing. Allele origin: germline. Not counted in ClinVar's aggregate classification.
Comment: PP3, PM2_moderate, PM3_very_strong, PM5, PS3

Pittsburgh Clinical Genomics Laboratory, University of Pittsburgh Medical Center
Classification: Pathogenic for Phenylketonuria. Last evaluated: 2024-04-19. Review status: criteria provided, single submitter. Criteria: ACMG Guidelines, 2015. Collection method: clinical testing. Allele origin: germline. Inheritance: Autosomal recessive inheritance. Affected: yes. Not counted in ClinVar's aggregate classification.
Comment: This sequence variant is a single nucleotide substitution (G>A) at position 473 of the coding sequence of the PAH gene that results in an arginine to glutamine amino acid change at residue 158 of the phenylalanine hydroxylase protein. This residue falls in the catalytic domain of the protein which is important for the binding of iron, cofactor, and substrate (PMID: 23457044). This is a previously reported variant (ClinVar 587) that has been classified as pathogenic by an expert panel (ClinGen SCV000852101.4). This variant has been observed in individuals affected by phenylketonuria and hyperphenylalaninemia (PMID: 2014036, 23500595, 10479481, 24368688). This variant is present in 225 of 1613598 alleles (0.014%) in the gnomAD v4.0.0 population dataset. Multiple bioinformatic tools predict that this amino acid change would be damaging, and the Arg158 residue at this position is highly conserved across the vertebrate species examined. Studies examining the functional consequence of this variant demonstrate significantly impaired enzymatic activity (PMID: 2014036, 19036622, 23500595). Based upon the evidence, we consider this variant to be pathogenic. ACMG Criteria: PM3, PP3, PP4, PS3

Department of Pathology and Laboratory Medicine, Sinai Health System
Classification: Pathogenic for Phenylketonuria. Last evaluated: 2022-05-09. Review status: criteria provided, single submitter. Criteria: ACMG Guidelines, 2015. Collection method: research. Allele origin: germline. Not counted in ClinVar's aggregate classification.

Fulgent Genetics
Classification: Pathogenic for Phenylketonuria. Last evaluated: 2022-01-05. Review status: criteria provided, single submitter. Criteria: ACMG Guidelines, 2015. Collection method: clinical testing. Allele origin: unknown. Not counted in ClinVar's aggregate classification.

3billion
Classification: Pathogenic for Phenylketonuria. Last evaluated: 2022-01-03. Review status: criteria provided, single submitter. Criteria: ACMG Guidelines, 2015. Collection method: clinical testing. Allele origin: germline. Affected: yes. Observed: 1 homozygote. Not counted in ClinVar's aggregate classification.
Comment: Same nucleotide change resulting in same amino acid change has been previously reported as pathogenic/likely pathogenic with strong evidence (ClinVar ID: VCV000000587, PMID:2606484, PS1_S). A different missense change at the same codon has been reported as pathogenic/likely pathogenic with strong evidence (ClinVar ID: VCV000102693, PMID:1307609,NULL,32668217, PM5_M). In silico tool predictions suggest damaging effect of the variant on gene or gene product (REVEL: 0.965, 3CNET: 0.983, PP3_P). A missense variant is a common mechanism associated with Hyperphenylalaninemia (PP2_P). It is observed at an extremely low frequency in the gnomAD v2.1.1 dataset (total allele frequency: 0.000092, PM2_M). Therefore, this variant is classified as pathogenic according to the recommendation of ACMG/AMP guideline.